The following is an entry in ClinVar:

ClinVar aggregate classification (germline): Uncertain significance. Review status: criteria provided, multiple submitters, no conflicts (2 of 4 stars). 3 submissions from 3 submitters: Uncertain significance (3). Last evaluated 2024-12-30.

Conditions:
Hereditary cancer-predisposing syndrome. Also called: Hereditary Cancer Syndrome; Neoplastic Syndromes, Hereditary; Hereditary neoplastic syndrome; Tumor predisposition. Identifiers: Orphanet 140162, MedGen C0027672, MeSH D009386, MONDO:0015356.
Ataxia-telangiectasia syndrome (AT). Also called: Cerebello-oculocutaneous telangiectasia; Immunodeficiency with ataxia telangiectasia; Ataxia-telangiectasia, complementation group E; Ataxia-telangiectasia, complementation group D; AT, COMPLEMENTATION GROUP C; ATAXIA-TELANGIECTASIA, COMPLEMENTATION GROUP A. Identifiers: Orphanet 100, MedGen C0004135, MONDO:0008840, OMIM 208900.
Familial cancer of breast. Also called: Hereditary breast cancer; hereditary breast carcinoma; BREAST CANCER, FAMILIAL. Identifiers: Orphanet 227535, MedGen C0346153, MONDO:0016419, OMIM 114480. Disease mechanism: loss of function.

Allele frequency attached by ClinVar (database versions not stated): TOPMed 0.00001; gnomAD exomes below 0.00001; ExAC 0.00001; gnomAD 0.00001.
gnomAD v4.1: 2 of 1,603,762 alleles (0.00012%); highest among the groups gnomAD compares: African/African-American, 0.0013%; no homozygotes.

Submissions (3):

Labcorp Genetics (formerly Invitae), Labcorp
Classification: Uncertain significance for Ataxia-telangiectasia syndrome. Last evaluated: 2024-12-30. Review status: criteria provided, single submitter. Criteria: Invitae Variant Classification Sherloc (09022015). Collection method: clinical testing. Allele origin: germline.
Comment: This sequence change replaces threonine, which is neutral and polar, with alanine, which is neutral and non-polar, at codon 710 of the ATM protein (p.Thr710Ala). This variant is present in population databases (rs750506930, gnomAD 0.003%). This variant has not been reported in the literature in individuals affected with ATM-related conditions. ClinVar contains an entry for this variant (Variation ID: 820773). Invitae Evidence Modeling of protein sequence and biophysical properties (such as structural, functional, and spatial information, amino acid conservation, physicochemical variation, residue mobility, and thermodynamic stability) indicates that this missense variant is not expected to disrupt ATM protein function with a negative predictive value of 95%. In summary, the available evidence is currently insufficient to determine the role of this variant in disease. Therefore, it has been classified as a Variant of Uncertain Significance.

Ambry Genetics
Classification: Uncertain significance for Hereditary cancer-predisposing syndrome. Last evaluated: 2024-02-16. Review status: criteria provided, single submitter. Criteria: Ambry Variant Classification Scheme 2023. Collection method: clinical testing. Allele origin: germline.
Comment: The p.T710A variant (also known as c.2128A>G), located in coding exon 13 of the ATM gene, results from an A to G substitution at nucleotide position 2128. The threonine at codon 710 is replaced by alanine, an amino acid with similar properties. This amino acid position is poorly conserved in available vertebrate species. In addition, this alteration is predicted to be tolerated by in silico analysis. Since supporting evidence is limited at this time, the clinical significance of this alteration remains unclear.

Baylor Genetics
Classification: Uncertain significance for Familial cancer of breast. Last evaluated: 2023-12-26. Review status: criteria provided, single submitter. Criteria: ACMG Guidelines, 2015. Collection method: clinical testing. Allele origin: unknown.

NM_000051.4(ATM):c.2128A>G (p.Thr710Ala)

Gene: ATM (ATM serine/threonine kinase; plus strand). Cytogenetic location: 11q22.3.
Variant type: single nucleotide variant.
Coding change: c.2128A>G on transcript NM_000051.4 (MANE Select); coding-DNA position 2128, A replaced by G.
Protein change: p.Thr710Ala; replaces threonine 710 with alanine.
Molecular consequence: missense variant.
Genome position (GRCh38, 1-based): chr11:108,256,218, A>G. VCF-style: chr11-108256218-A-G. GRCh37 (hg19) VCF-style: chr11-108126945-A-G.
Other names: c.2128A>G, p.Thr710Ala (NM_001351834.2); short protein forms T710A.
Identifiers: ClinVar variation 820773 (VCV000820773.14), dbSNP rs750506930, ClinGen allele CA6264953.